The following is an entry in ClinVar:

ClinVar aggregate classification (germline): Uncertain significance (1 of 4 stars; one submission).

Conditions:
Inborn genetic diseases. Identifiers: MedGen C0950123, MeSH D030342.

Submission:

Ambry Genetics
Classification: Uncertain significance for Inborn genetic diseases. Last evaluated: 2025-02-17. Review status: criteria provided, single submitter. Criteria: Ambry Variant Classification Scheme 2023. Collection method: clinical testing. Allele origin: germline.
Comment: The p.R580G variant (also known as c.1738A>G), located in coding exon 20 of the RTEL1 gene, results from an A to G substitution at nucleotide position 1738. The arginine at codon 580 is replaced by glycine, an amino acid with dissimilar properties. This amino acid position is conserved. In addition, this alteration is predicted to be tolerated by in silico analysis. Based on the available evidence, the clinical significance of this variant remains unclear.

NM_001283009.2(RTEL1):c.1738A>G (p.Arg580Gly)

Genes: RTEL1 (regulator of telomere elongation helicase 1; plus strand), RTEL1-TNFRSF6B (RTEL1-TNFRSF6B readthrough (NMD candidate); plus strand). Cytogenetic location: 20q13.33.
Variant type: single nucleotide variant.
Coding change: c.1738A>G on transcript NM_001283009.2 (MANE Select); coding-DNA position 1738, A replaced by G.
Protein change: p.Arg580Gly; replaces arginine 580 with glycine.
Molecular consequence: missense variant. On other transcripts: non-coding transcript variant (1).
Genome position (GRCh38, 1-based): chr20:63,688,543, A>G. VCF-style: chr20-63688543-A-G. GRCh37 (hg19) VCF-style: chr20-62319896-A-G.
Other names: c.1069A>G, p.Arg357Gly (NM_001283010.1); c.1738A>G, p.Arg580Gly (NM_016434.4); c.1810A>G, p.Arg604Gly (NM_032957.5); short protein forms R357G, R580G, R604G.
Identifiers: ClinVar variation 3791161 (VCV003791161.1).